The following is an entry in ClinVar:

ClinVar aggregate classification (germline): Pathogenic (1 of 4 stars; one submission).

Conditions:
Hereditary cancer-predisposing syndrome. Also called: Neoplastic Syndromes, Hereditary; Tumor predisposition; Hereditary Cancer Syndrome; Hereditary neoplastic syndrome. Identifiers: Orphanet 140162, MedGen C0027672, MeSH D009386, MONDO:0015356.

Submission:

Color Diagnostics, LLC DBA Color Health
Classification: Pathogenic for Hereditary cancer-predisposing syndrome. Last evaluated: 2020-01-14. Review status: criteria provided, single submitter. Criteria: ACMG Guidelines, 2015. Collection method: clinical testing. Allele origin: germline.
Comment: This variant inserts 2 nucleotides in exon 13 of the APC gene, creating a frameshift and premature translation stop signal. This variant is expected to result in an absent or non-functional protein product. This variant has not been identified in the general population by the Genome Aggregation Database (gnomAD). Loss of APC function is a known mechanism of disease. Based on the available evidence, this variant is classified as Pathogenic.

NM_000038.6(APC):c.1620_1621insGA (p.Gln541fs)

Gene: APC (APC regulator of Wnt signaling pathway; plus strand). Cytogenetic location: 5q22.2.
Variant type: Insertion.
Coding change: c.1620_1621insGA on transcript NM_000038.6 (MANE Select); coding-DNA positions 1620 to 1621, GA inserted.
Protein change: p.Gln541fs; shifts the reading frame from glutamine 541.
Molecular consequence: frameshift variant.
Genome position: GRCh38 VCF-style: chr5-112827999-T-TAG. GRCh37 (hg19) VCF-style: chr5-112163696-T-TAG.
Other names: c.1620_1621insGA, p.Gln541fs (NM_001127510.3, NM_001354895.2); c.1566_1567insGA, p.Gln523fs (NM_001127511.3); c.1674_1675insGA, p.Gln559fs (NM_001354896.2); c.1650_1651insGA, p.Gln551fs (NM_001354897.2); c.1545_1546insGA, p.Gln516fs (NM_001354898.2); c.1536_1537insGA, p.Gln513fs (NM_001354899.2); c.1497_1498insGA, p.Gln500fs (NM_001354900.2); c.1443_1444insGA, p.Gln482fs (NM_001354901.2); and 5 more; short protein forms Q258fs, Q513fs, Q559fs, Q440fs, Q450fs, Q516fs, Q415fs, Q500fs.
Identifiers: ClinVar variation 925963 (VCV000925963.3), dbSNP rs1131691555, ClinGen allele CA913188153.